The following is an entry in ClinVar:

NM_001267550.2(TTN):c.93129C>T (p.Asp31043=)

Genes: TTN (titin; minus strand), TTN-AS1 (TTN antisense RNA 1; plus strand). Cytogenetic location: 2q31.2.
Variant type: single nucleotide variant.
Coding change: c.93129C>T on transcript NM_001267550.2 (MANE Select); coding-DNA position 93129, C replaced by T.
Protein change: p.Asp31043=; no amino-acid change (aspartic acid 31043 retained).
Molecular consequence: synonymous variant.
Genome position (GRCh38, 1-based): chr2:178,548,497, G>A on the plus strand (C>T on the coding strand, the complement: TTN is on the minus strand). VCF-style: chr2-178548497-G-A. GRCh37 (hg19) VCF-style: chr2-179413224-G-A.
Other names: c.88206C>T, p.Asp29402= (NM_001256850.1); c.65934C>T, p.Asp21978= (NM_003319.4); c.85425C>T, p.Asp28475= (NM_133378.4); c.66309C>T, p.Asp22103= (NM_133432.3); c.66510C>T, p.Asp22170= (NM_133437.4).
Identifiers: ClinVar variation 498063 (VCV000498063.53), dbSNP rs758336721, ClinGen allele CA1987353.

ClinVar aggregate classification (germline): Conflicting classifications of pathogenicity. Review status: criteria provided, conflicting classifications (1 of 4 stars). 7 submissions from 7 submitters: Uncertain significance (1); Likely benign (6). Last evaluated 2026-02-01.

Conditions:
TTN-related disorder. Also called: TTN-related condition; TTN-related disease; TTN-related disorders.
Dilated cardiomyopathy 1G (CMD1G). Identifiers: Orphanet 154, MedGen C1858763, MONDO:0011400, OMIM 604145.
Autosomal recessive limb-girdle muscular dystrophy type 2J (LGMDR10). Also called: Limb-girdle muscular dystrophy, type 2J; MUSCULAR DYSTROPHY, LIMB-GIRDLE, AUTOSOMAL RECESSIVE 10. Identifiers: Orphanet 140922, MedGen C1837342, MONDO:0012127, OMIM 608807.
Cardiovascular phenotype. Identifiers: MedGen CN230736.

Allele frequency attached by ClinVar (database versions not stated): ExAC 0.00003; TOPMed 0.00008; 1000 Genomes Project 30x 0.00016.
gnomAD v4.1: 35 of 1,613,836 alleles (0.0022%); highest among the groups gnomAD compares: Admixed American, 0.023%; no homozygotes.

Submissions (7):

CeGaT Center for Human Genetics Tuebingen
Classification: Likely benign. Last evaluated: 2026-02-01. Review status: criteria provided, single submitter. Criteria: CeGaT Center For Human Genetics Tuebingen Variant Classification Criteria Version 2. Collection method: clinical testing. Allele origin: germline. Affected: yes. Observed: 4 variant alleles.
Comment: TTN: BP4, BP7

Labcorp Genetics (formerly Invitae), Labcorp
Classification: Likely benign for Dilated cardiomyopathy 1G; Autosomal recessive limb-girdle muscular dystrophy type 2J. Last evaluated: 2026-01-11. Review status: criteria provided, single submitter. Criteria: Invitae Variant Classification Sherloc (09022015). Collection method: clinical testing. Allele origin: germline.

PreventionGenetics, part of Exact Sciences
Classification: Likely benign for TTN-related condition. Last evaluated: 2025-09-01. Review status: criteria provided, single submitter. Criteria: ACMG Guidelines, 2015. Collection method: clinical testing. Allele origin: germline.
Comment: This variant is classified as likely benign based on ACMG/AMP sequence variant interpretation guidelines (Richards et al. 2015 PMID: 25741868, with internal and published modifications).

Blueprint Genetics
Classification: Likely benign. Last evaluated: 2024-06-25. Review status: criteria provided, single submitter. Criteria: ACMG Guidelines, 2015. Collection method: clinical testing. Allele origin: germline.

Ambry Genetics
Classification: Likely benign for Cardiovascular phenotype. Last evaluated: 2019-11-11. Review status: criteria provided, single submitter. Criteria: Ambry Variant Classification Scheme 2023. Collection method: clinical testing. Allele origin: germline.

Athena Diagnostics
Classification: Likely benign. Last evaluated: 2018-09-12. Review status: criteria provided, single submitter. Criteria: Athena Diagnostics Criteria. Collection method: clinical testing. Allele origin: germline.

Eurofins Ntd Llc (ga)
Classification: Uncertain significance. Last evaluated: 2016-11-15. Review status: criteria provided, single submitter. Criteria: EGL Classification Definitions 2015. Collection method: clinical testing. Allele origin: germline. Observed: 1 variant allele, 1 heterozygote.